The following is an entry in ClinVar:

NM_001367561.1(DOCK7):c.5359A>G (p.Met1787Val)

Gene: DOCK7 (dedicator of cytokinesis 7; minus strand). Cytogenetic location: 1p31.3.
Variant type: single nucleotide variant.
Coding change: c.5359A>G on transcript NM_001367561.1 (MANE Select); coding-DNA position 5359, A replaced by G.
Protein change: p.Met1787Val; replaces methionine 1787 with valine.
Molecular consequence: missense variant.
Genome position (GRCh38, 1-based): chr1:62,492,706, T>C on the plus strand (A>G on the coding strand, the complement: DOCK7 is on the minus strand). VCF-style: chr1-62492706-T-C. GRCh37 (hg19) VCF-style: chr1-62958377-T-C.
Other names: c.5332A>G, p.Met1778Val (NM_001271999.2, NM_001330614.2); c.5239A>G, p.Met1747Val (NM_001272000.2, NM_001272001.2); c.5266A>G, p.Met1756Val (NM_033407.4); short protein forms M1756V, M1778V, M1747V, M1787V.
Identifiers: ClinVar variation 806145 (VCV000806145.46), dbSNP rs775189099, ClinGen allele CA885495.

ClinVar aggregate classification (germline): Uncertain significance. Review status: criteria provided, multiple submitters, no conflicts (2 of 4 stars). 3 submissions from 3 submitters: Uncertain significance (3). Last evaluated 2024-02-17.

Conditions:
Developmental and epileptic encephalopathy, 23 (DEE23). Also called: Epileptic encephalopathy, early infantile, 23. Identifiers: Orphanet 411986, MedGen C4014492, MONDO:0014371, OMIM 615859.

Allele frequency attached by ClinVar (database versions not stated): gnomAD 0.00001; TOPMed 0.00002.

Submissions (3):

Labcorp Genetics (formerly Invitae), Labcorp
Classification: Uncertain significance for Developmental and epileptic encephalopathy, 23. Last evaluated: 2024-02-17. Review status: criteria provided, single submitter. Criteria: Invitae Variant Classification Sherloc (09022015). Collection method: clinical testing. Allele origin: germline.
Comment: This sequence change replaces methionine, which is neutral and non-polar, with valine, which is neutral and non-polar, at codon 1778 of the DOCK7 protein (p.Met1778Val). This variant is present in population databases (rs775189099, gnomAD 0.007%). This variant has not been reported in the literature in individuals affected with DOCK7-related conditions. ClinVar contains an entry for this variant (Variation ID: 806145). An algorithm developed to predict the effect of missense changes on protein structure and function (PolyPhen-2) suggests that this variant¬†is likely to be tolerated. Algorithms developed to predict the effect of sequence changes on RNA splicing suggest that this variant may disrupt the consensus splice site. In summary, the available evidence is currently insufficient to determine the role of this variant in disease. Therefore, it has been classified as a Variant of Uncertain Significance.

Genome-Nilou Lab
Classification: Uncertain significance for Developmental and epileptic encephalopathy, 23. Last evaluated: 2023-04-11. Review status: criteria provided, single submitter. Criteria: ACMG Guidelines, 2015. Collection method: clinical testing. Allele origin: germline. Affected: no.

CeGaT Center for Human Genetics Tuebingen
Classification: Uncertain significance. Last evaluated: 2016-09-01. Review status: criteria provided, single submitter. Criteria: CeGaT Center For Human Genetics Tuebingen Variant Classification Criteria Version 2. Collection method: clinical testing. Allele origin: germline. Affected: yes. Observed: 1 variant allele.